The following is an entry in ClinVar:

NM_004448.4(ERBB2):c.602G>T (p.Gly201Val)

Gene: ERBB2 (erb-b2 receptor tyrosine kinase 2; plus strand). Cytogenetic location: 17q12.
Variant type: single nucleotide variant.
Coding change: c.602G>T on transcript NM_004448.4 (MANE Select); coding-DNA position 602, G replaced by T.
Protein change: p.Gly201Val; replaces glycine 201 with valine.
Molecular consequence: missense variant. On other transcripts: non-coding transcript variant (1), intron variant (2).
Genome position (GRCh38, 1-based): chr17:39,709,840, G>T. VCF-style: chr17-39709840-G-T. GRCh37 (hg19) VCF-style: chr17-37866093-G-T.
Other names: c.512G>T, p.Gly171Val (NM_001005862.3, NM_001289938.2, NM_001382782.1 and 1 more transcripts); c.557G>T, p.Gly186Val (NM_001289936.2); c.602G>T, p.Gly201Val (NM_001289937.2, NM_001382784.1, NM_001382785.1 and 17 more transcripts); c.677G>T, p.Gly226Val (NM_001382787.1); c.593G>T, p.Gly198Val (NM_001382791.1); c.440-18G>T (NM_001382799.1); c.74-2088G>T (NM_001382804.1); short protein forms G201V, G171V, G186V, G198V, G226V.
Identifiers: ClinVar variation 2178901 (VCV002178901.4), dbSNP rs750651941, ClinGen allele CA8533672.

ClinVar aggregate classification (germline): Uncertain significance (1 of 4 stars; one submission).

Allele frequency attached by ClinVar (database versions not stated): TOPMed below 0.00001; gnomAD 0.00001; ExAC 0.00002.
gnomAD v4.1: 14 of 1,613,388 alleles (0.00087%); highest among the groups gnomAD compares: Non-Finnish European, 0.0012%; no homozygotes.

Submission:

Labcorp Genetics (formerly Invitae), Labcorp
Classification: Uncertain significance. Last evaluated: 2025-11-27. Review status: criteria provided, single submitter. Criteria: Invitae Variant Classification Sherloc (09022015). Collection method: clinical testing. Allele origin: germline.
Comment: This sequence change replaces glycine, which is neutral and non-polar, with valine, which is neutral and non-polar, at codon 201 of the ERBB2 protein (p.Gly201Val). This variant is present in population databases (rs750651941, gnomAD 0.005%). This variant has not been reported in the literature in individuals affected with ERBB2-related conditions. ClinVar contains an entry for this variant (Variation ID: 2178901). Invitae Evidence Modeling of protein sequence and biophysical properties (such as structural, functional, and spatial information, amino acid conservation, physicochemical variation, residue mobility, and thermodynamic stability) indicates that this missense variant is not expected to disrupt ERBB2 protein function with a negative predictive value of 80%. In summary, the available evidence is currently insufficient to determine the role of this variant in disease. Therefore, it has been classified as a Variant of Uncertain Significance.